The following is an entry in ClinVar:

NM_001348323.3(TRIP12):c.5365-14A>C

Gene: TRIP12 (thyroid hormone receptor interactor 12; minus strand). Cytogenetic location: 2q36.3.
Variant type: single nucleotide variant.
Coding change: c.5365-14A>C on transcript NM_001348323.3 (MANE Select); 14 bases into the intron before coding-DNA position 5365, A replaced by C.
Molecular consequence: intron variant.
Genome position (GRCh38, 1-based): chr2:229,777,493, T>G on the plus strand (A>C on the coding strand, the complement: TRIP12 is on the minus strand). VCF-style: chr2-229777493-T-G. GRCh37 (hg19) VCF-style: chr2-230642209-T-G.
Other names: c.4330-14A>C (NM_001284216.2); c.5140-14A>C (NM_004238.3); c.5143-14A>C (NM_001348331.1); c.5224-14A>C (NM_001348317.1, NM_001348318.2); c.5239-14A>C (NM_001284215.2, NM_001348316.2); c.5263-14A>C (NM_001348332.1); c.5284-14A>C (NM_001284214.2, NM_001348315.2); c.5350-14A>C (NM_001348319.1, NM_001348320.2); and 4 more.
Identifiers: ClinVar variation 1723406 (VCV001723406.1), dbSNP rs138926243, ClinGen allele CA2152336.

ClinVar aggregate classification (germline): Uncertain significance (1 of 4 stars; one submission).

gnomAD v4.1: 2 of 1,613,150 alleles (0.00012%); highest among the groups gnomAD compares: African/African-American, 0.0027%; no homozygotes.

Submission:

Women's Health and Genetics/Laboratory Corporation of America, LabCorp
Classification: Uncertain significance. Last evaluated: 2022-10-28. Review status: criteria provided, single submitter. Criteria: LabCorp Variant Classification Summary - May 2015. Collection method: clinical testing. Allele origin: germline.
Comment: Variant summary: TRIP12 c.5365-14A>C alters a non-conserved nucleotide located close to a canonical splice site and therefore could affect mRNA splicing, leading to a significantly altered protein sequence. 4/4 computational tools predict no significant impact on normal splicing. However, these predictions have yet to be confirmed by functional studies. The variant allele was found at a frequency of 4e-06 in 250536 control chromosomes (gnomAD). The available data on variant occurrences in the general population are insufficient to allow any conclusion about variant significance. To our knowledge, no occurrence of c.5365-14A>C in individuals affected with Clark-Baraitser Syndrome and no experimental evidence demonstrating its impact on protein function have been reported. No clinical diagnostic laboratories have submitted clinical-significance assessments for this variant to ClinVar after 2014. Based on the evidence outlined above, the variant was classified as uncertain significance.